The following is an entry in ClinVar:

ClinVar aggregate classification (germline): Uncertain significance. Review status: criteria provided, multiple submitters, no conflicts (2 of 4 stars). 2 submissions from 2 submitters: Uncertain significance (2). Last evaluated 2024-07-30.

Conditions:
Hereditary cancer-predisposing syndrome. Also called: Hereditary Cancer Syndrome; Hereditary neoplastic syndrome; Neoplastic Syndromes, Hereditary; Tumor predisposition. Identifiers: Orphanet 140162, MedGen C0027672, MeSH D009386, MONDO:0015356.
Hereditary breast ovarian cancer syndrome. Also called: Hereditary breast and ovarian cancer syndrome; Hereditary breast and ovarian cancer syndrome (HBOC); Breast and ovarian cancer; Hereditary breast and ovarian cancer; Hereditary breast and/or ovarian cancer syndrome; BRCA1- and BRCA2-Associated Hereditary Breast and Ovarian Cancer. Identifiers: Orphanet 145, MedGen C0677776, MeSH D061325, MONDO:0003582. Disease mechanism: loss of function.

Allele frequency attached by ClinVar (database versions not stated): TOPMed below 0.00001.

Submissions (2):

Labcorp Genetics (formerly Invitae), Labcorp
Classification: Uncertain significance for Hereditary breast ovarian cancer syndrome. Last evaluated: 2024-07-30. Review status: criteria provided, single submitter. Criteria: Invitae Variant Classification Sherloc (09022015). Collection method: clinical testing. Allele origin: germline.
Comment: This sequence change replaces alanine, which is neutral and non-polar, with glycine, which is neutral and non-polar, at codon 199 of the BRCA2 protein (p.Ala199Gly). This variant is not present in population databases (gnomAD no frequency). This variant has not been reported in the literature in individuals affected with BRCA2-related conditions. ClinVar contains an entry for this variant (Variation ID: 1692120). Advanced modeling of protein sequence and biophysical properties (such as structural, functional, and spatial information, amino acid conservation, physicochemical variation, residue mobility, and thermodynamic stability) performed at Invitae indicates that this missense variant is not expected to disrupt BRCA2 protein function with a negative predictive value of 95%. Algorithms developed to predict the effect of sequence changes on RNA splicing suggest that this variant may disrupt the consensus splice site. In summary, the available evidence is currently insufficient to determine the role of this variant in disease. Therefore, it has been classified as a Variant of Uncertain Significance.

Sema4
Classification: Uncertain significance for Hereditary cancer-predisposing syndrome. Last evaluated: 2021-11-27. Review status: criteria provided, single submitter. Criteria: Sema4 Curation Guidelines. Collection method: curation. Allele origin: germline.
Comment: The BRCA2 c.596C>G (p.A199G) variant has not been reported in the literature to our knowledge. It was not observed in the large and broad cohorts of the Genome Aggregation Database (PMID: 32461654). The variant has not been reported in ClinVar. Functional studies have not been performed, and in silico predictions of the variant's effect on protein function are inconclusive. The evidence is insufficient to meet ACMG/AMP criteria for classifying the variant as benign or pathogenic. Thus, the clinical significance of this variant is currently uncertain.

NM_000059.4(BRCA2):c.596C>G (p.Ala199Gly)

Gene: BRCA2 (BRCA2 DNA repair associated; plus strand). Cytogenetic location: 13q13.1.
Variant type: single nucleotide variant.
Coding change: c.596C>G on transcript NM_000059.4 (MANE Select); coding-DNA position 596, C replaced by G.
Protein change: p.Ala199Gly; replaces alanine 199 with glycine.
Molecular consequence: missense variant.
Genome position (GRCh38, 1-based): chr13:32,326,578, C>G. VCF-style: chr13-32326578-C-G. GRCh37 (hg19) VCF-style: chr13-32900715-C-G.
Other names: short protein forms A199G.
Identifiers: ClinVar variation 1692120 (VCV001692120.2), dbSNP rs878853593, ClinGen allele CA387758191.